The following is an entry in ClinVar:

ClinVar aggregate classification (germline): Uncertain significance. Review status: criteria provided, multiple submitters, no conflicts (2 of 4 stars). 2 submissions from 2 submitters: Uncertain significance (2). Last evaluated 2024-05-16.

Conditions:
Karyomegalic interstitial nephritis. Identifiers: Orphanet 401996, MedGen C3553774, MONDO:0013898, OMIM 614817.

Allele frequency attached by ClinVar (database versions not stated): gnomAD 0.00009; ExAC 0.00010; gnomAD exomes 0.00014; ESP Exome Variant Server 0.00023.
gnomAD v4.1: 212 of 1,613,798 alleles (0.013%); highest among the groups gnomAD compares: Non-Finnish European, 0.017%; 1 homozygote.

Submissions (2):

Fulgent Genetics
Classification: Uncertain significance for Karyomegalic interstitial nephritis. Last evaluated: 2024-05-16. Review status: criteria provided, single submitter. Criteria: ACMG Guidelines, 2015. Collection method: clinical testing. Allele origin: germline.

Labcorp Genetics (formerly Invitae), Labcorp
Classification: Uncertain significance. Last evaluated: 2022-10-13. Review status: criteria provided, single submitter. Criteria: Invitae Variant Classification Sherloc (09022015). Collection method: clinical testing. Allele origin: germline.
Comment: This sequence change replaces proline, which is neutral and non-polar, with glutamine, which is neutral and polar, at codon 103 of the FAN1 protein (p.Pro103Gln). This variant is present in population databases (rs200672666, gnomAD 0.02%). This variant has not been reported in the literature in individuals affected with FAN1-related conditions. Algorithms developed to predict the effect of missense changes on protein structure and function (SIFT, PolyPhen-2, Align-GVGD) all suggest that this variant is likely to be tolerated. In summary, the available evidence is currently insufficient to determine the role of this variant in disease. Therefore, it has been classified as a Variant of Uncertain Significance.

NM_014967.5(FAN1):c.308C>A (p.Pro103Gln)

Gene: FAN1 (FANCD2 and FANCI associated nuclease 1; plus strand). Cytogenetic location: 15q13.3.
Variant type: single nucleotide variant.
Coding change: c.308C>A on transcript NM_014967.5 (MANE Select); coding-DNA position 308, C replaced by A.
Protein change: p.Pro103Gln; replaces proline 103 with glutamine.
Molecular consequence: missense variant.
Genome position (GRCh38, 1-based): chr15:30,904,971, C>A. VCF-style: chr15-30904971-C-A. GRCh37 (hg19) VCF-style: chr15-31197174-C-A.
Other names: c.308C>A, p.Pro103Gln (NM_001146094.2, NM_001146095.1, NM_001146096.2); short protein forms P103Q.
Identifiers: ClinVar variation 2071131 (VCV002071131.5), dbSNP rs200672666, ClinGen allele CA7450026.